The following is an entry in ClinVar:

NM_001281740.3(FHOD3):c.1410C>T (p.Gly470=)

Gene: FHOD3 (formin homology 2 domain containing 3; plus strand). Cytogenetic location: 18q12.2.
Variant type: single nucleotide variant.
Coding change: c.1410C>T on transcript NM_001281740.3 (MANE Select); coding-DNA position 1410, C replaced by T.
Protein change: p.Gly470=; no amino-acid change (glycine 470 retained).
Molecular consequence: synonymous variant. On other transcripts: intron variant (2).
Genome position (GRCh38, 1-based): chr18:36,652,693, C>T. VCF-style: chr18-36652693-C-T. GRCh37 (hg19) VCF-style: chr18-34232656-C-T.
Other names: c.1197-5382C>T (NM_025135.5, NM_001281739.3).
Identifiers: ClinVar variation 4984619 (VCV004984619.1).

ClinVar aggregate classification (germline): Likely benign (1 of 4 stars; one submission).

Conditions:
FHOD3-related disorder. Also called: FHOD3-related condition.

gnomAD v4.1: 143 of 1,535,712 alleles (0.0093%); highest among the groups gnomAD compares: Middle Eastern, 0.084%; no homozygotes.

Submission:

PreventionGenetics, part of Exact Sciences
Classification: Likely benign for FHOD3-related condition. Last evaluated: 2026-03-11. Review status: criteria provided, single submitter. Criteria: ACMG Guidelines, 2015. Collection method: clinical testing. Allele origin: germline.
Comment: This variant is classified as likely benign based on ACMG/AMP sequence variant interpretation guidelines (Richards et al. 2015 PMID: 25741868, with internal and published modifications).